The following is an entry in ClinVar:

ClinVar aggregate classification (germline): Likely benign. Review status: criteria provided, multiple submitters, no conflicts (2 of 4 stars). 2 submissions from 2 submitters: Likely benign (2). Last evaluated 2026-07-06.

Conditions:
Rhabdoid tumor predisposition syndrome 2 (RTPS2). Identifiers: Orphanet 231108, Orphanet 69077, MedGen C2750074, MONDO:0013224, OMIM 613325.

Allele frequency attached by ClinVar (database versions not stated): gnomAD 0.00002; TOPMed 0.00001.
gnomAD v4.1: 3 of 1,613,598 alleles (0.00019%); highest among the groups gnomAD compares: African/African-American, 0.004%; no homozygotes.

Submissions (2):

Myriad Genetics, Inc.
Classification: Likely benign for Rhabdoid tumor predisposition syndrome 2. Last evaluated: 2026-07-06. Review status: criteria provided, single submitter. Criteria: Myriad Autosomal Dominant, Autosomal Recessive and X-Linked Classification Criteria (2023). Collection method: clinical testing. Allele origin: unknown.
Comment: This variant is considered likely benign. This variant is intronic and is not expected to impact mRNA splicing.

Labcorp Genetics (formerly Invitae), Labcorp
Classification: Likely benign for Rhabdoid tumor predisposition syndrome 2. Last evaluated: 2025-11-11. Review status: criteria provided, single submitter. Criteria: Invitae Variant Classification Sherloc (09022015). Collection method: clinical testing. Allele origin: germline.

NM_003072.5(SMARCA4):c.1420-6C>T

Gene: SMARCA4 (SWI/SNF related BAF chromatin remodeling complex subunit ATPase 4; plus strand). Cytogenetic location: 19p13.2.
Variant type: single nucleotide variant.
Coding change: c.1420-6C>T on transcript NM_003072.5 (MANE Select); 6 bases into the intron before coding-DNA position 1420, C replaced by T.
Molecular consequence: intron variant.
Genome position (GRCh38, 1-based): chr19:10,994,822, C>T. VCF-style: chr19-10994822-C-T. GRCh37 (hg19) VCF-style: chr19-11105498-C-T.
Other names: c.1420-6C>T (NM_001128844.3, NM_001128849.3, NM_001128847.4 and 5 more transcripts).
Identifiers: ClinVar variation 537899 (VCV000537899.9), dbSNP rs878854200, ClinGen allele CA305290901.